The following is an entry in ClinVar:

NM_005732.4(RAD50):c.39G>A (p.Arg13=)

Gene: RAD50 (RAD50 double strand break repair protein; plus strand). Cytogenetic location: 5q31.1.
Variant type: single nucleotide variant.
Coding change: c.39G>A on transcript NM_005732.4 (MANE Select); coding-DNA position 39, G replaced by A.
Protein change: p.Arg13=; no amino-acid change (arginine 13 retained).
Molecular consequence: synonymous variant.
Genome position (GRCh38, 1-based): chr5:132,557,363, G>A. VCF-style: chr5-132557363-G-A. GRCh37 (hg19) VCF-style: chr5-131893055-G-A.
Identifiers: ClinVar variation 184128 (VCV000184128.42), dbSNP rs779005784, ClinGen allele CA187876.
Genomic context (GRCh38, chr5:132,557,363, plus strand): 5'-GAGATTAGAAACGTTTGCAAACATGTCCCGGATCGAAAAGATGAGCATTCTGGGCGTGCG[G>A]AGTTTTGGAATAGAGGACAAAGATAAGCAAATTATCACTTTCTTCAGCCCCCTTACAATT-3'
Protein context (NP_005723.2, residues 3-23): RIEKMSILGV[Arg13=]SFGIEDKDKQ

ClinVar aggregate classification (germline): Conflicting classifications of pathogenicity. Review status: criteria provided, conflicting classifications (1 of 4 stars). 5 submissions from 5 submitters: Uncertain significance (1); Likely benign (4). Last evaluated 2025-02-15.

Conditions:
Hereditary cancer-predisposing syndrome. Also called: Tumor predisposition; Neoplastic Syndromes, Hereditary; Hereditary Cancer Syndrome; Hereditary neoplastic syndrome. Identifiers: Orphanet 140162, MedGen C0027672, MeSH D009386, MONDO:0015356.

Allele frequency attached by ClinVar (database versions not stated): TOPMed 0.00002; gnomAD 0.00003.
gnomAD v4.1: 30 of 1,614,054 alleles (0.0019%); highest among the groups gnomAD compares: Admixed American, 0.0033%; no homozygotes.

Submissions (5):

Women's Health and Genetics/Laboratory Corporation of America, LabCorp
Classification: Likely benign. Last evaluated: 2025-02-15. Review status: criteria provided, single submitter. Criteria: LabCorp Variant Classification Summary - May 2015. Collection method: clinical testing. Allele origin: germline.

Labcorp Genetics (formerly Invitae), Labcorp
Classification: Likely benign for Hereditary cancer-predisposing syndrome. Last evaluated: 2024-10-15. Review status: criteria provided, single submitter. Criteria: Invitae Variant Classification Sherloc (09022015). Collection method: clinical testing. Allele origin: germline.

CeGaT Center for Human Genetics Tuebingen
Classification: Likely benign. Last evaluated: 2024-03-01. Review status: criteria provided, single submitter. Criteria: CeGaT Center For Human Genetics Tuebingen Variant Classification Criteria Version 2. Collection method: clinical testing. Allele origin: germline. Affected: yes. Observed: 2 variant alleles.
Comment: RAD50: BP4, BP7

Quest Diagnostics Nichols Institute San Juan Capistrano
Classification: Uncertain significance. Last evaluated: 2022-11-30. Review status: criteria provided, single submitter. Criteria: Quest Diagnostics criteria. Collection method: clinical testing. Allele origin: unknown.
Comment: To the best of our knowledge, the variant has not been reported in the published literature. The frequency of this variant in the general population, 0.000023 (3/129192 chromosomes), is uninformative in assessment of its pathogenicity. Analysis of this variant using software algorithms for the prediction of the effect of nucleotide changes on splicing yielded predictions that this variant does not affect RAD50 mRNA splicing . Based on the available information, we are unable to determine the clinical significance of this variant.

Ambry Genetics
Classification: Likely benign for Hereditary cancer-predisposing syndrome. Last evaluated: 2014-10-26. Review status: criteria provided, single submitter. Criteria: Ambry Variant Classification Scheme 2023. Collection method: clinical testing. Allele origin: germline.